The following is an entry in ClinVar:

ClinVar aggregate classification (germline): Benign. Review status: criteria provided, multiple submitters, no conflicts (2 of 4 stars). 7 submissions from 7 submitters: Benign (7). Last evaluated 2026-02-03.

Allele frequency attached by ClinVar (database versions not stated): gnomAD exomes 0.00605 and 0.01267; ExAC 0.01367; gnomAD 0.02819 and 0.02939; ESP Exome Variant Server 0.02860; TOPMed 0.03213; 1000 Genomes Project 0.03634; 1000 Genomes Project 30x 0.03685.
gnomAD v4.1: 13,396 of 1,614,074 alleles (0.83%); highest among the groups gnomAD compares: African/African-American, 8.3%; 352 homozygotes.

Submissions (7):

Labcorp Genetics (formerly Invitae), Labcorp
Classification: Benign. Last evaluated: 2026-02-03. Review status: criteria provided, single submitter. Criteria: Invitae Variant Classification Sherloc (09022015). Collection method: clinical testing. Allele origin: germline.

Mayo Clinic Laboratories, Mayo Clinic
Classification: Benign. Last evaluated: 2022-04-17. Review status: criteria provided, single submitter. Criteria: ACMG Guidelines, 2015. Collection method: clinical testing. Allele origin: germline. Observed: 6 variant alleles.

Athena Diagnostics
Classification: Benign. Last evaluated: 2018-11-09. Review status: criteria provided, single submitter. Criteria: Athena Diagnostics Criteria. Collection method: clinical testing. Allele origin: germline.

GeneDx
Classification: Benign. Last evaluated: 2017-12-08. Review status: criteria provided, single submitter. Criteria: GeneDx Variant Classification (06012015). Collection method: clinical testing. Allele origin: germline. Affected: yes.
Comment: This variant is considered likely benign or benign based on one or more of the following criteria: it is a conservative change, it occurs at a poorly conserved position in the protein, it is predicted to be benign by multiple in silico algorithms, and/or has population frequency not consistent with disease.

Laboratory for Molecular Medicine, Mass General Brigham Personalized Medicine
Classification: Benign. Last evaluated: 2012-05-07. Review status: criteria provided, single submitter. Criteria: LMM Criteria. Collection method: clinical testing. Allele origin: germline. Observed: 47 variant alleles.
Comment: "Pro524Pro in Exon 13 of GRHL2: This variant is not expected to have clinical si gnificance because it does not alter an amino acid residue, is not located withi n the splice consensus sequence, and has been identified in 7.8% (292/3738) of A frican American chromosomes from a broad population by the NHLBI Exome Sequencin g Project (dbSNP rs34213258)."

Breakthrough Genomics
Classification: Benign. Review status: criteria provided, single submitter. Criteria: ACMG Guidelines, 2015. Collection method: not provided. Allele origin: germline. Inheritance: Autosomal recessive inheritance. Affected: yes.

PreventionGenetics, part of Exact Sciences
Classification: Benign. Review status: criteria provided, single submitter. Criteria: ACMG Guidelines, 2015. Collection method: clinical testing. Allele origin: germline.

NM_024915.4(GRHL2):c.1572A>G (p.Pro524=)

Genes: GRHL2 (grainyhead like transcription factor 2; plus strand), LOC126860461 (CDK7 strongly-dependent group 2 enhancer GRCh37_chr8:102655529-102656728; plus strand). Cytogenetic location: 8q22.3.
Variant type: single nucleotide variant.
Coding change: c.1572A>G on transcript NM_024915.4 (MANE Select); coding-DNA position 1572, A replaced by G.
Protein change: p.Pro524=; no amino-acid change (proline 524 retained).
Molecular consequence: synonymous variant.
Genome position (GRCh38, 1-based): chr8:101,644,185, A>G. VCF-style: chr8-101644185-A-G. GRCh37 (hg19) VCF-style: chr8-102656413-A-G.
Other names: p.Pro524=; c.1524A>G, p.Pro508= (NM_001330593.2).
Identifiers: ClinVar variation 178610 (VCV000178610.16), dbSNP rs34213258, ClinGen allele CA182653.